The following is an entry in ClinVar:

ClinVar aggregate classification (germline): Benign/Likely benign. Review status: criteria provided, multiple submitters, no conflicts (2 of 4 stars). 6 submissions from 6 submitters: Benign (4); Likely benign (2). Last evaluated 2026-01-23.

Conditions:
Ulnar-mammary syndrome (UMS). Also called: PALLISTER ULNAR-MAMMARY SYNDROME; SCHINZEL SYNDROME; Ulnar-mammary syndrome of Pallister. Identifiers: Orphanet 3138, MedGen C1866994, MONDO:0008411, OMIM 181450.

Allele frequency attached by ClinVar (database versions not stated): 1000 Genomes Project 30x 0.00047; TOPMed 0.00104; gnomAD 0.00105 and 0.00108; ExAC 0.00125; ESP Exome Variant Server 0.00180.
gnomAD v4.1: 2,471 of 1,608,736 alleles (0.15%); highest among the groups gnomAD compares: Non-Finnish European, 0.19%; 4 homozygotes.

Submissions (6):

Labcorp Genetics (formerly Invitae), Labcorp
Classification: Benign for Ulnar-mammary syndrome. Last evaluated: 2026-01-23. Review status: criteria provided, single submitter. Criteria: Invitae Variant Classification Sherloc (09022015). Collection method: clinical testing. Allele origin: germline.

CeGaT Center for Human Genetics Tuebingen
Classification: Likely benign. Last evaluated: 2025-06-01. Review status: criteria provided, single submitter. Criteria: CeGaT Center For Human Genetics Tuebingen Variant Classification Criteria Version 2. Collection method: clinical testing. Allele origin: germline. Affected: yes. Observed: 1 variant allele.
Comment: TBX3: BP4, BP7

Blueprint Genetics
Classification: Likely benign. Last evaluated: 2024-11-27. Review status: criteria provided, single submitter. Criteria: ACMG Guidelines, 2015. Collection method: clinical testing. Allele origin: germline.

Illumina Laboratory Services, Illumina
Classification: Benign for Ulnar-mammary syndrome. Last evaluated: 2018-01-13. Review status: criteria provided, single submitter. Criteria: ICSL Variant Classification Criteria 13 December 2019. Collection method: clinical testing. Allele origin: germline.
Comment: This variant was observed in the ICSL laboratory as part of a predisposition screen in an ostensibly healthy population. It had not been previously curated by ICSL or reported in the Human Gene Mutation Database (HGMD: prior to June 1st, 2018), and was therefore a candidate for classification through an automated scoring system. Utilizing variant allele frequency, disease prevalence and penetrance estimates, and inheritance mode, an automated score was calculated to assess if this variant is too frequent to cause the disease. Based on the score and internal cut-off values, a variant classified as benign is not then subjected to further curation. The score for this variant resulted in a classification of benign for this disease.

Breakthrough Genomics
Classification: Benign. Review status: criteria provided, single submitter. Criteria: ACMG Guidelines, 2015. Collection method: not provided. Allele origin: germline. Inheritance: Autosomal dominant inheritance. Affected: yes.

PreventionGenetics, part of Exact Sciences
Classification: Benign. Review status: criteria provided, single submitter. Criteria: ACMG Guidelines, 2015. Collection method: clinical testing. Allele origin: germline.

NM_005996.4(TBX3):c.171G>A (p.Pro57=)

Genes: TBX3 (T-box transcription factor 3; minus strand), TBX3-AS1 (TBX3 antisense RNA 1; plus strand). Cytogenetic location: 12q24.21.
Variant type: single nucleotide variant.
Coding change: c.171G>A on transcript NM_005996.4 (MANE Select); coding-DNA position 171, G replaced by A.
Protein change: p.Pro57=; no amino-acid change (proline 57 retained).
Molecular consequence: synonymous variant.
Genome position (GRCh38, 1-based): chr12:114,683,030, C>T on the plus strand (G>A on the coding strand, the complement: TBX3 is on the minus strand). VCF-style: chr12-114683030-C-T. GRCh37 (hg19) VCF-style: chr12-115120835-C-T.
Other names: c.171G>A, p.Pro57= (NM_016569.4).
Identifiers: ClinVar variation 260749 (VCV000260749.28), dbSNP rs201388921, ClinGen allele CA6810255.